The following is an entry in ClinVar:

ClinVar aggregate classification (germline): Pathogenic (1 of 4 stars; one submission).

Conditions:
Ellis-van Creveld syndrome (EVC). Also called: MESOECTODERMAL DYSPLASIA; Chondroectodermal dysplasia. Identifiers: Orphanet 289, MedGen C0013903, MONDO:0009162, OMIM 225500.

Submission:

Myriad Genetics, Inc.
Classification: Pathogenic for Ellis-van Creveld syndrome. Last evaluated: 2025-12-03. Review status: criteria provided, single submitter. Criteria: Myriad Autosomal Dominant, Autosomal Recessive and X-Linked Classification Criteria (2023). Collection method: clinical testing. Allele origin: unknown.
Comment: NM_153717.2(EVC):c.2123_2124dupGC(R709Afs*3) is expected to be pathogenic in the context of EVC-related Ellis-van Creveld syndrome. This variant is predicted to lead to an abnormal or absent protein product due to the creation of a premature termination codon in EVC, a gene where loss-of-function variants are known to be pathogenic. Please note: this variant was assessed in the context of healthy population screening.

NM_153717.3(EVC):c.2123_2124dup (p.Arg709fs)

Gene: EVC (EvC ciliary complex subunit 1; plus strand). Cytogenetic location: 4p16.2.
Variant type: Duplication.
Coding change: c.2123_2124dup on transcript NM_153717.3 (MANE Select); coding-DNA positions 2123 to 2124, 2 bases duplicated (GC; older notation c.2123_2124dupGC).
Protein change: p.Arg709fs; shifts the reading frame from arginine 709.
Molecular consequence: frameshift variant.
Genome position (GRCh38, 1-based): chr4:5,798,611-5,798,612, GC duplicated. VCF-style (leftmost placement, unchanged base first): chr4-5798610-A-AGC. GRCh37 (hg19) VCF-style: chr4-5800337-A-AGC.
Other names: c.2123_2124dup, p.Arg709fs (NM_001306090.2); short protein forms R709fs.
Identifiers: ClinVar variation 5015287 (VCV005015287.1).